The following is an entry in ClinVar:

ClinVar aggregate classification (germline): Uncertain significance (1 of 4 stars; one submission).

Conditions:
Familial thoracic aortic aneurysm and aortic dissection (TAAD). Also called: Thoracic aortic aneurysms and dissections. Identifiers: Orphanet 91387, MedGen C4707243, MONDO:0019625.

Submission:

Ambry Genetics
Classification: Uncertain significance for Familial thoracic aortic aneurysm and aortic dissection. Last evaluated: 2025-11-10. Review status: criteria provided, single submitter. Criteria: Ambry Variant Classification Scheme 2023. Collection method: clinical testing. Allele origin: germline.
Comment: The p.Q1540H variant (also known as c.4620G>C), located in coding exon 32 of the MYH11 gene, results from a G to C substitution at nucleotide position 4620. The glutamine at codon 1540 is replaced by histidine, an amino acid with highly similar properties. This amino acid position is conserved. In addition, the in silico prediction for this alteration is inconclusive. Based on the available evidence, the clinical significance of this variant remains unclear.

NM_002474.3(MYH11):c.4620G>C (p.Gln1540His)

Genes: MYH11 (myosin heavy chain 11; minus strand), NDE1 (nudE neurodevelopment protein 1; plus strand). Cytogenetic location: 16p13.11.
Variant type: single nucleotide variant.
Coding change: c.4620G>C on transcript NM_002474.3 (MANE Select); coding-DNA position 4620, G replaced by C.
Protein change: p.Gln1540His; replaces glutamine 1540 with histidine.
Molecular consequence: missense variant. On other transcripts: intron variant (2).
Genome position (GRCh38, 1-based): chr16:15,721,010, C>G on the plus strand (G>C on the coding strand, the complement: MYH11 is on the minus strand). VCF-style: chr16-15721010-C-G. GRCh37 (hg19) VCF-style: chr16-15814867-C-G.
Other names: c.4641G>C, p.Gln1547His (NM_001040113.2, NM_001040114.2); c.4620G>C, p.Gln1540His (NM_022844.3); c.948-3181C>G (NM_001143979.2, NM_017668.3); short protein forms Q1540H, Q1547H.
Identifiers: ClinVar variation 4635423 (VCV004635423.1).